The following is an entry in ClinVar:

ClinVar aggregate classification (germline): Likely benign. Review status: criteria provided, multiple submitters, no conflicts (2 of 4 stars). 5 submissions from 5 submitters: Likely benign (4). 1 of the submissions does not count toward it. Last evaluated 2026-01-20.

Conditions:
Primary ciliary dyskinesia 3. Identifiers: Orphanet 244, MedGen C1837618, MONDO:0012085, OMIM 608644.
DNAH5-related disorder. Also called: DNAH5-related condition.
Primary ciliary dyskinesia. Also called: Ciliary dyskinesia. Identifiers: Orphanet 244, MedGen C0008780, MONDO:0016575, HP:0012265.

Allele frequency attached by ClinVar (database versions not stated): ExAC 0.00004; gnomAD exomes 0.00005 and 0.00011; gnomAD 0.00006 and 0.00008; TOPMed 0.00007; ESP Exome Variant Server 0.00008; 1000 Genomes Project 0.00040; 1000 Genomes Project 30x 0.00047.
gnomAD v4.1: 167 of 1,614,188 alleles (0.01%); highest among the groups gnomAD compares: Non-Finnish European, 0.014%; no homozygotes.

Submissions (5):

Labcorp Genetics (formerly Invitae), Labcorp
Classification: Likely benign for Primary ciliary dyskinesia. Last evaluated: 2026-01-20. Review status: criteria provided, single submitter. Criteria: Invitae Variant Classification Sherloc (09022015). Collection method: clinical testing. Allele origin: germline.

ARUP Laboratories, Molecular Genetics and Genomics, ARUP Laboratories
Classification: Likely benign for Primary ciliary dyskinesia 3. Last evaluated: 2023-09-06. Review status: criteria provided, single submitter. Criteria: ARUP Molecular Germline Variant Investigation Process 2024. Collection method: clinical testing. Allele origin: germline.

Ambry Genetics
Classification: Likely benign for Primary ciliary dyskinesia. Last evaluated: 2023-05-30. Review status: criteria provided, single submitter. Criteria: Ambry Variant Classification Scheme 2023. Collection method: clinical testing. Allele origin: germline.

Breakthrough Genomics
Classification: Likely benign. Review status: criteria provided, single submitter. Criteria: ACMG Guidelines, 2015. Collection method: not provided. Allele origin: germline. Inheritance: Autosomal recessive inheritance. Affected: yes.

PreventionGenetics, part of Exact Sciences
Classification: Likely benign for DNAH5-related condition. Last evaluated: 2019-03-06. Review status: no assertion criteria provided. Collection method: clinical testing. Allele origin: germline. Not counted in ClinVar's aggregate classification.
Comment: This variant is classified as likely benign based on ACMG/AMP sequence variant interpretation guidelines (Richards et al. 2015 PMID: 25741868, with internal and published modifications).

NM_001369.3(DNAH5):c.10330C>T (p.Leu3444=)

Gene: DNAH5 (dynein axonemal heavy chain 5; minus strand). Cytogenetic location: 5p15.2.
Variant type: single nucleotide variant.
Coding change: c.10330C>T on transcript NM_001369.3 (MANE Select); coding-DNA position 10330, C replaced by T.
Protein change: p.Leu3444=; no amino-acid change (leucine 3444 retained).
Molecular consequence: synonymous variant.
Genome position (GRCh38, 1-based): chr5:13,758,935, G>A on the plus strand (C>T on the coding strand, the complement: DNAH5 is on the minus strand). VCF-style: chr5-13758935-G-A. GRCh37 (hg19) VCF-style: chr5-13759044-G-A.
Identifiers: ClinVar variation 698133 (VCV000698133.17), dbSNP rs201881960, ClinGen allele CA3202275.